The following is an entry in ClinVar:

NM_005918.4(MDH2):c.734-3del

Gene: MDH2 (malate dehydrogenase 2; plus strand). Cytogenetic location: 7q11.23.
Variant type: Deletion.
Coding change: c.734-3del on transcript NM_005918.4 (MANE Select); 3 bases into the intron before coding-DNA position 734, one base deleted (T; older notation c.734-3delT).
Molecular consequence: intron variant.
Genome position (GRCh38, 1-based): chr7:76,064,799, T deleted. VCF-style (leftmost placement, unchanged base first): chr7-76064798-CT-C. GRCh37 (hg19) VCF-style: chr7-75694116-CT-C.
Other names: c.608-3del (NM_001282403.2); c.413-3del (NM_001282404.2).
Identifiers: ClinVar variation 2397859 (VCV002397859.2), dbSNP rs782402298, ClinGen allele CA4305695.

ClinVar aggregate classification (germline): Uncertain significance (1 of 4 stars; one submission).

Conditions:
Inborn genetic diseases. Identifiers: MedGen C0950123, MeSH D030342.

Allele frequency attached by ClinVar (database versions not stated): gnomAD 0.00001; gnomAD exomes 0.00001; TOPMed 0.00001; ExAC 0.00002.

Submission:

Ambry Genetics
Classification: Uncertain significance for Inborn genetic diseases. Last evaluated: 2021-12-09. Review status: criteria provided, single submitter. Criteria: Ambry Variant Classification Scheme 2023. Collection method: clinical testing. Allele origin: germline.
Comment: The c.734-3delT alteration consists of a deletion of T 3 nucleotides before exon 8 of the MDH2 gene. Based on insufficient or conflicting evidence, the clinical significance of this alteration remains unclear.